The following is an entry in ClinVar:

NM_022114.4(PRDM16):c.3194T>C (p.Leu1065Ser)

Gene: PRDM16 (PR/SET domain 16; plus strand). Cytogenetic location: 1p36.32.
Variant type: single nucleotide variant.
Coding change: c.3194T>C on transcript NM_022114.4 (MANE Select); coding-DNA position 3194, T replaced by C.
Protein change: p.Leu1065Ser; replaces leucine 1065 with serine.
Molecular consequence: missense variant.
Genome position (GRCh38, 1-based): chr1:3,426,135, T>C. VCF-style: chr1-3426135-T-C. GRCh37 (hg19) VCF-style: chr1-3342699-T-C.
Other names: c.3194T>C, p.Leu1065Ser (NM_199454.3); short protein forms L1065S.
Identifiers: ClinVar variation 666095 (VCV000666095.10), dbSNP rs1410844593, ClinGen allele CA338002753.

ClinVar aggregate classification (germline): Uncertain significance (1 of 4 stars; one submission).

Conditions:
Left ventricular noncompaction 8 (LVNC8). Identifiers: Orphanet 154, Orphanet 54260, MedGen C3809288, MONDO:0014152, OMIM 615373.

Allele frequency attached by ClinVar (database versions not stated): gnomAD exomes below 0.00001 and 0.00002; gnomAD 0.00001; TOPMed 0.00002.
gnomAD v4.1: 31 of 1,613,820 alleles (0.0019%); highest among the groups gnomAD compares: Non-Finnish European, 0.0025%; no homozygotes.

Submission:

Labcorp Genetics (formerly Invitae), Labcorp
Classification: Uncertain significance for Left ventricular noncompaction 8. Last evaluated: 2024-10-15. Review status: criteria provided, single submitter. Criteria: Invitae Variant Classification Sherloc (09022015). Collection method: clinical testing. Allele origin: germline.
Comment: This sequence change replaces leucine, which is neutral and non-polar, with serine, which is neutral and polar, at codon 1065 of the PRDM16 protein (p.Leu1065Ser). This variant is present in population databases (no rsID available, gnomAD 0.0009%). This variant has not been reported in the literature in individuals affected with PRDM16-related conditions. ClinVar contains an entry for this variant (Variation ID: 666095). An algorithm developed to predict the effect of missense changes on protein structure and function (PolyPhen-2) suggests that this variant is likely to be disruptive. In summary, the available evidence is currently insufficient to determine the role of this variant in disease. Therefore, it has been classified as a Variant of Uncertain Significance.